The following is an entry in ClinVar:

NM_001972.4(ELANE):c.157C>T (p.His53Tyr)

Gene: ELANE (elastase, neutrophil expressed; plus strand). Cytogenetic location: 19p13.3.
Variant type: single nucleotide variant.
Coding change: c.157C>T on transcript NM_001972.4 (MANE Select); coding-DNA position 157, C replaced by T.
Protein change: p.His53Tyr; replaces histidine 53 with tyrosine.
Molecular consequence: missense variant.
Genome position (GRCh38, 1-based): chr19:852,965, C>T. VCF-style: chr19-852965-C-T. GRCh37 (hg19) VCF-style: chr19-852965-C-T.
Other names: c.157C>T (LRG_57t1); short protein forms H53Y.
Identifiers: ClinVar variation 430280 (VCV000430280.2), dbSNP rs1131691882, ClinGen allele CA402914636.
Genomic context (GRCh38, chr19:852,965, plus strand): 5'-GGCCGGCGAGCGCGGCCCCACGCGTGGCCCTTCATGGTGTCCCTGCAGCTGCGCGGAGGC[C>T]ACTTCTGCGGCGCCACCCTGATTGCGCCCAACTTCGTCATGTCGGCCGCGCACTGCGTGG-3'
Protein context (NP_001963.1, residues 43-63): FMVSLQLRGG[His53Tyr]FCGATLIAPN

ClinVar aggregate classification (germline): Likely pathogenic (1 of 4 stars; one submission).

Submission:

GeneDx
Classification: Likely pathogenic. Last evaluated: 2017-05-24. Review status: criteria provided, single submitter. Criteria: GeneDx Variant Classification (06012015). Collection method: clinical testing. Allele origin: germline. Affected: yes.
Comment: The H53Y variant has been published previously in association with congenital neutropenia (Smith et al., 2009). The variant is not observed in large population cohorts (Lek et al., 2016; 1000 Genomes Consortium et al., 2015; Exome Variant Server). H53Y is a non-conservative amino acid substitution, which is likely to impact secondary protein structure as these residues differ in polarity, charge, size and/or other properties. This substitution occurs at a position that is conserved across species, and in silico analysis predicts this variant is probably damaging to the protein structure/function. Missense variants in the same residue (H53L/Q) and in nearby residues (L49P, C55S/Y, G56R, A57T/S/V) have been reported in the Human Gene Mutation Database in association with neutropenia (Stenson et al., 2014), supporting the functional importance of this region of the protein. In summary, this variant is likely pathogenic; however, the possibility that it is benign cannot be excluded.